The following is an entry in ClinVar:

NM_020442.6(VARS2):c.1490C>T (p.Ser497Leu)

Gene: VARS2 (valyl-tRNA synthetase 2, mitochondrial; plus strand). Cytogenetic location: 6p21.33.
Variant type: single nucleotide variant.
Coding change: c.1490C>T on transcript NM_020442.6 (MANE Select); coding-DNA position 1490, C replaced by T.
Protein change: p.Ser497Leu; replaces serine 497 with leucine.
Molecular consequence: missense variant.
Genome position (GRCh38, 1-based): chr6:30,921,075, C>T. VCF-style: chr6-30921075-C-T. GRCh37 (hg19) VCF-style: chr6-30888852-C-T.
Other names: p.Ser527Leu; c.1070C>T, p.Ser357Leu (NM_001167733.3); c.1580C>T, p.Ser527Leu (NM_001167734.2); c.1580C>T (NM_001167734.1); short protein forms S497L, S357L, S527L.
Identifiers: ClinVar variation 1898034 (VCV001898034.6), dbSNP rs368986102, ClinGen allele CA3705935.

ClinVar aggregate classification (germline): Uncertain significance. Review status: criteria provided, multiple submitters, no conflicts (2 of 4 stars). 4 submissions from 4 submitters: Uncertain significance (4). Last evaluated 2025-12-09.

Conditions:
Inborn genetic diseases. Identifiers: MedGen C0950123, MeSH D030342.

Allele frequency attached by ClinVar (database versions not stated): TOPMed 0.00006; ExAC 0.00007; gnomAD 0.00004; ESP Exome Variant Server 0.00008.
gnomAD v4.1: 50 of 1,612,464 alleles (0.0031%); highest among the groups gnomAD compares: Admixed American, 0.013%; no homozygotes.

Submissions (4):

Mayo Clinic Laboratories, Mayo Clinic
Classification: Uncertain significance. Last evaluated: 2025-12-09. Review status: criteria provided, single submitter. Criteria: ACMG Guidelines, 2015. Collection method: clinical testing. Allele origin: germline. Observed: 1 variant allele.
Comment: BP4_moderate

GeneDx
Classification: Uncertain significance. Last evaluated: 2024-05-22. Review status: criteria provided, single submitter. Criteria: GeneDx Variant Classification Process June 2021. Collection method: clinical testing. Allele origin: germline. Affected: yes.
Comment: In silico analysis supports that this missense variant has a deleterious effect on protein structure/function; Has not been previously published as pathogenic or benign to our knowledge

Ambry Genetics
Classification: Uncertain significance for Inborn genetic diseases. Last evaluated: 2023-02-14. Review status: criteria provided, single submitter. Criteria: Ambry Variant Classification Scheme 2023. Collection method: clinical testing. Allele origin: germline.

Labcorp Genetics (formerly Invitae), Labcorp
Classification: Uncertain significance. Last evaluated: 2022-07-15. Review status: criteria provided, single submitter. Criteria: Invitae Variant Classification Sherloc (09022015). Collection method: clinical testing. Allele origin: germline.
Comment: This sequence change replaces serine, which is neutral and polar, with leucine, which is neutral and non-polar, at codon 527 of the VARS2 protein (p.Ser527Leu). This variant is present in population databases (rs368986102, gnomAD 0.02%). This variant has not been reported in the literature in individuals affected with VARS2-related conditions. Algorithms developed to predict the effect of missense changes on protein structure and function are either unavailable or do not agree on the potential impact of this missense change (SIFT: "Tolerated"; PolyPhen-2: "Possibly Damaging"; Align-GVGD: "Class C0"). In summary, the available evidence is currently insufficient to determine the role of this variant in disease. Therefore, it has been classified as a Variant of Uncertain Significance.